The following is an entry in ClinVar:

NM_030973.4(MED25):c.525G>A (p.Glu175=)

Gene: MED25 (mediator complex subunit 25; plus strand). Cytogenetic location: 19q13.33.
Variant type: single nucleotide variant.
Coding change: c.525G>A on transcript NM_030973.4 (MANE Select); coding-DNA position 525, G replaced by A.
Protein change: p.Glu175=; no amino-acid change (glutamic acid 175 retained).
Molecular consequence: synonymous variant.
Genome position (GRCh38, 1-based): chr19:49,829,090, G>A. VCF-style: chr19-49829090-G-A. GRCh37 (hg19) VCF-style: chr19-50332347-G-A.
Other names: c.525G>A, p.Glu175= (NM_001378355.1).
Identifiers: ClinVar variation 1004241 (VCV001004241.6), dbSNP rs2074035059, ClinGen allele CA508140750.

ClinVar aggregate classification (germline): Uncertain significance (1 of 4 stars; one submission).

Conditions:
Charcot-Marie-Tooth disease type 2. Also called: Charcot-Marie-Tooth type 2. Identifiers: Orphanet 64746, MedGen C0270914, MONDO:0018993.

Allele frequency attached by ClinVar (database versions not stated): gnomAD exomes below 0.00001.
gnomAD v4.1: 1 of 1,613,490 alleles (0.000062%); highest among the groups gnomAD compares: Non-Finnish European, 0.000085%; no homozygotes.

Submission:

Labcorp Genetics (formerly Invitae), Labcorp
Classification: Uncertain significance for Charcot-Marie-Tooth disease type 2. Last evaluated: 2020-03-23. Review status: criteria provided, single submitter. Criteria: Invitae Variant Classification Sherloc (09022015). Collection method: clinical testing. Allele origin: germline.
Comment: This sequence change affects codon 175 of the MED25 mRNA. It is a 'silent' change, meaning that it does not change the encoded amino acid sequence of the MED25 protein. This variant also falls at the last nucleotide of exon 5 of the MED25 coding sequence, which is part of the consensus splice site for this exon. This variant is not present in population databases (ExAC no frequency). This variant has not been reported in the literature in individuals with MED25-related conditions. Nucleotide substitutions within the consensus splice site are a relatively common cause of aberrant splicing (PMID: 17576681, 9536098). Algorithms developed to predict the effect of sequence changes on RNA splicing suggest that this variant may disrupt the consensus splice site, but this prediction has not been confirmed by published transcriptional studies. In summary, the available evidence is currently insufficient to determine the role of this variant in disease. Therefore, it has been classified as a Variant of Uncertain Significance.

Literature cited by the submitters: PubMed 17576681; PubMed 9536098.